The following is an entry in ClinVar:

ClinVar aggregate classification (germline): Uncertain significance (1 of 4 stars; one submission).

Conditions:
Nemaline myopathy 2 (NEM2). Also called: Nemaline myopathy 2, autosomal recessive. Identifiers: MedGen C1850569, MONDO:0009725, OMIM 256030.

Allele frequency attached by ClinVar (database versions not stated): gnomAD exomes below 0.00001.
gnomAD v4.1: 6 of 1,610,568 alleles (0.00037%); highest among the groups gnomAD compares: Admixed American, 0.0067%; no homozygotes.

Submission:

Labcorp Genetics (formerly Invitae), Labcorp
Classification: Uncertain significance for Nemaline myopathy 2. Last evaluated: 2022-04-17. Review status: criteria provided, single submitter. Criteria: Invitae Variant Classification Sherloc (09022015). Collection method: clinical testing. Allele origin: germline.
Comment: This sequence change replaces glutamic acid, which is acidic and polar, with glutamine, which is neutral and polar, at codon 1422 of the NEB protein (p.Glu1422Gln). This variant is not present in population databases (gnomAD no frequency). This variant has not been reported in the literature in individuals affected with NEB-related conditions. Algorithms developed to predict the effect of missense changes on protein structure and function output the following: SIFT: "Deleterious"; PolyPhen-2: "Not Available"; Align-GVGD: "Class C0". The glutamine amino acid residue is found in multiple mammalian species, which suggests that this missense change does not adversely affect protein function. In summary, the available evidence is currently insufficient to determine the role of this variant in disease. Therefore, it has been classified as a Variant of Uncertain Significance.

NM_001164508.2(NEB):c.4264G>C (p.Glu1422Gln)

Gene: NEB (nebulin; minus strand). Cytogenetic location: 2q23.3.
Variant type: single nucleotide variant.
Coding change: c.4264G>C on transcript NM_001164508.2 (MANE Select); coding-DNA position 4264, G replaced by C.
Protein change: p.Glu1422Gln; replaces glutamic acid 1422 with glutamine.
Molecular consequence: missense variant.
Genome position (GRCh38, 1-based): chr2:151,672,404, C>G on the plus strand (G>C on the coding strand, the complement: NEB is on the minus strand). VCF-style: chr2-151672404-C-G. GRCh37 (hg19) VCF-style: chr2-152528918-C-G.
Other names: c.4264G>C, p.Glu1422Gln (NM_001164507.2, NM_001271208.2, NM_004543.5); short protein forms E1422Q.
Identifiers: ClinVar variation 1408110 (VCV001408110.3), dbSNP rs921972170, ClinGen allele CA57650973.